The following is an entry in ClinVar:

ClinVar aggregate classification (germline): Conflicting classifications of pathogenicity. Review status: criteria provided, conflicting classifications (1 of 4 stars). 3 submissions from 3 submitters: Uncertain significance (2); Likely benign (1). Last evaluated 2024-06-03.

Conditions:
Inborn genetic diseases. Identifiers: MedGen C0950123, MeSH D030342.
KMT2A-related disorder. Also called: KMT2A-related condition.

Allele frequency attached by ClinVar (database versions not stated): ExAC 0.00001; gnomAD 0.00003; TOPMed 0.00004.
gnomAD v4.1: 7 of 1,614,062 alleles (0.00043%); highest among the groups gnomAD compares: African/African-American, 0.0093%; no homozygotes.

Submissions (3):

Labcorp Genetics (formerly Invitae), Labcorp
Classification: Uncertain significance. Last evaluated: 2024-06-03. Review status: criteria provided, single submitter. Criteria: Invitae Variant Classification Sherloc (09022015). Collection method: clinical testing. Allele origin: germline.
Comment: This sequence change replaces histidine, which is basic and polar, with glutamine, which is neutral and polar, at codon 3282 of the KMT2A protein (p.His3282Gln). This variant is present in population databases (rs782702303, gnomAD 0.008%). This variant has not been reported in the literature in individuals affected with KMT2A-related conditions. ClinVar contains an entry for this variant (Variation ID: 1414717). Advanced modeling of protein sequence and biophysical properties (such as structural, functional, and spatial information, amino acid conservation, physicochemical variation, residue mobility, and thermodynamic stability) performed at Invitae indicates that this missense variant is not expected to disrupt KMT2A protein function with a negative predictive value of 95%. In summary, the available evidence is currently insufficient to determine the role of this variant in disease. Therefore, it has been classified as a Variant of Uncertain Significance.

Ambry Genetics
Classification: Likely benign for Inborn genetic diseases. Last evaluated: 2023-10-05. Review status: criteria provided, single submitter. Criteria: Ambry Variant Classification Scheme 2023. Collection method: clinical testing. Allele origin: germline.

PreventionGenetics, part of Exact Sciences
Classification: Uncertain significance for KMT2A-related condition. Last evaluated: 2023-09-14. Review status: criteria provided, single submitter. Criteria: ACMG Guidelines, 2015. Collection method: clinical testing. Allele origin: germline.
Comment: The KMT2A c.9846C>G variant is predicted to result in the amino acid substitution p.His3282Gln. To our knowledge, this variant has not been reported in the literature. This variant is reported in 0.0080% of alleles in individuals of African descent in gnomAD. At this time, the clinical significance of this variant is uncertain due to the absence of conclusive functional and genetic evidence.

NM_001197104.2(KMT2A):c.9846C>G (p.His3282Gln)

Gene: KMT2A (lysine methyltransferase 2A; plus strand). Cytogenetic location: 11q23.3.
Variant type: single nucleotide variant.
Coding change: c.9846C>G on transcript NM_001197104.2 (MANE Select); coding-DNA position 9846, C replaced by G.
Protein change: p.His3282Gln; replaces histidine 3282 with glutamine.
Molecular consequence: missense variant.
Genome position (GRCh38, 1-based): chr11:118,505,738, C>G. VCF-style: chr11-118505738-C-G. GRCh37 (hg19) VCF-style: chr11-118376453-C-G.
Other names: c.9837C>G, p.His3279Gln (NM_005933.4); c.9846C>G (NM_001197104.1); short protein forms H3282Q, H3279Q.
Identifiers: ClinVar variation 1414717 (VCV001414717.7), dbSNP rs782702303, ClinGen allele CA6304644.